The following is an entry in ClinVar:

ClinVar aggregate classification (germline): Uncertain significance (1 of 4 stars; one submission).

Allele frequency attached by ClinVar (database versions not stated): gnomAD 0.00001; gnomAD exomes 0.00001; ExAC 0.00002; TOPMed 0.00003.
gnomAD v4.1: 9 of 1,613,658 alleles (0.00056%); highest among the groups gnomAD compares: Admixed American, 0.0033%; no homozygotes.

Submission:

Labcorp Genetics (formerly Invitae), Labcorp
Classification: Uncertain significance. Last evaluated: 2022-04-27. Review status: criteria provided, single submitter. Criteria: Invitae Variant Classification Sherloc (09022015). Collection method: clinical testing. Allele origin: germline.
Comment: This sequence change replaces arginine, which is basic and polar, with lysine, which is basic and polar, at codon 1822 of the CACNA1B protein (p.Arg1822Lys). This variant is present in population databases (rs79634697, gnomAD 0.003%). This variant has not been reported in the literature in individuals affected with CACNA1B-related conditions. Advanced modeling of protein sequence and biophysical properties (such as structural, functional, and spatial information, amino acid conservation, physicochemical variation, residue mobility, and thermodynamic stability) performed at Invitae indicates that this missense variant is not expected to disrupt CACNA1B protein function. In summary, the available evidence is currently insufficient to determine the role of this variant in disease. Therefore, it has been classified as a Variant of Uncertain Significance.

NM_000718.4(CACNA1B):c.5465G>A (p.Arg1822Lys)

Gene: CACNA1B (calcium voltage-gated channel subunit alpha1 B; plus strand). Cytogenetic location: 9q34.3.
Variant type: single nucleotide variant.
Coding change: c.5465G>A on transcript NM_000718.4 (MANE Select); coding-DNA position 5465, G replaced by A.
Protein change: p.Arg1822Lys; replaces arginine 1822 with lysine.
Molecular consequence: missense variant.
Genome position (GRCh38, 1-based): chr9:138,112,434, G>A. VCF-style: chr9-138112434-G-A. GRCh37 (hg19) VCF-style: chr9-141006886-G-A.
Other names: c.5465G>A, p.Arg1822Lys (NM_001243812.2); short protein forms R1822K.
Identifiers: ClinVar variation 1945642 (VCV001945642.2), dbSNP rs79634697, ClinGen allele CA5377383.